The following is an entry in ClinVar:

NM_002017.5(FLI1):c.529C>T (p.Arg177Cys)

Gene: FLI1 (Fli-1 proto-oncogene, ETS transcription factor; plus strand). Cytogenetic location: 11q24.3.
Variant type: single nucleotide variant.
Coding change: c.529C>T on transcript NM_002017.5 (MANE Select); coding-DNA position 529, C replaced by T.
Protein change: p.Arg177Cys; replaces arginine 177 with cysteine.
Molecular consequence: missense variant. On other transcripts: intron variant (1).
Genome position (GRCh38, 1-based): chr11:128,772,925, C>T. VCF-style: chr11-128772925-C-T. GRCh37 (hg19) VCF-style: chr11-128642820-C-T.
Other names: c.430C>T, p.Arg144Cys (NM_001167681.3, NM_001440369.1, NM_001440370.1 and 1 more transcripts); c.331C>T, p.Arg111Cys (NM_001271010.2); c.529C>T, p.Arg177Cys (NM_001440372.1); c.11-9033C>T (NM_001271012.2); short protein forms R111C, R144C, R177C.
Identifiers: ClinVar variation 4737388 (VCV004737388.1).

ClinVar aggregate classification (germline): Uncertain significance (1 of 4 stars; one submission).

gnomAD v4.1: 18 of 1,613,884 alleles (0.0011%); highest among the groups gnomAD compares: South Asian, 0.0044%; no homozygotes.

Submission:

Labcorp Genetics (formerly Invitae), Labcorp
Classification: Uncertain significance. Last evaluated: 2025-07-23. Review status: criteria provided, single submitter. Criteria: Invitae Variant Classification Sherloc (09022015). Collection method: clinical testing. Allele origin: germline.
Comment: This sequence change replaces arginine, which is basic and polar, with cysteine, which is neutral and slightly polar, at codon 177 of the FLI1 protein (p.Arg177Cys). This variant is present in population databases (rs760940767, gnomAD 0.01%). This variant has not been reported in the literature in individuals affected with FLI1-related conditions. Invitae Evidence Modeling of protein sequence and biophysical properties (such as structural, functional, and spatial information, amino acid conservation, physicochemical variation, residue mobility, and thermodynamic stability) indicates that this missense variant is not expected to disrupt FLI1 protein function with a negative predictive value of 80%. In summary, the available evidence is currently insufficient to determine the role of this variant in disease. Therefore, it has been classified as a Variant of Uncertain Significance.